The following is an entry in ClinVar:

ClinVar aggregate classification (germline): Uncertain significance (1 of 4 stars; one submission).

Conditions:
Arrhythmogenic right ventricular dysplasia 8 (ARVD8). Also called: Arrhythmogenic Right Ventricular Dysplasia/Cardiomyopathy 8; ARRHYTHMOGENIC RIGHT VENTRICULAR DYSPLASIA, FAMILIAL, 8; ARRHYTHMOGENIC RIGHT VENTRICULAR CARDIOMYOPATHY 8. Identifiers: MedGen C1843896, MONDO:0011831, OMIM 607450.
Arrhythmogenic cardiomyopathy with wooly hair and keratoderma. Also called: PALMOPLANTAR KERATODERMA WITH LEFT VENTRICULAR CARDIOMYOPATHY AND WOOLLY HAIR; Carvajal syndrome; Dilated cardiomyopathy with woolly hair and keratoderma; Arrhythmogenic cardiomyopathy with woolly hair and keratoderma. Identifiers: Orphanet 65282, MedGen C1854063, MONDO:0011581, OMIM 605676.

Submission:

Labcorp Genetics (formerly Invitae), Labcorp
Classification: Uncertain significance for Arrhythmogenic cardiomyopathy with wooly hair and keratoderma; Arrhythmogenic right ventricular dysplasia 8. Last evaluated: 2022-03-24. Review status: criteria provided, single submitter. Criteria: Invitae Variant Classification Sherloc (09022015). Collection method: clinical testing. Allele origin: germline.
Comment: In summary, the available evidence is currently insufficient to determine the role of this variant in disease. Therefore, it has been classified as a Variant of Uncertain Significance. Algorithms developed to predict the effect of missense changes on protein structure and function (SIFT, PolyPhen-2, Align-GVGD) all suggest that this variant is likely to be disruptive. This variant has not been reported in the literature in individuals affected with DSP-related conditions. This variant is not present in population databases (gnomAD no frequency). This sequence change replaces proline, which is neutral and non-polar, with alanine, which is neutral and non-polar, at codon 2663 of the DSP protein (p.Pro2663Ala).

NM_004415.4(DSP):c.7987C>G (p.Pro2663Ala)

Gene: DSP (desmoplakin; plus strand). Cytogenetic location: 6p24.3.
Variant type: single nucleotide variant.
Coding change: c.7987C>G on transcript NM_004415.4 (MANE Select); coding-DNA position 7987, C replaced by G.
Protein change: p.Pro2663Ala; replaces proline 2663 with alanine.
Molecular consequence: missense variant.
Genome position (GRCh38, 1-based): chr6:7,585,249, C>G. VCF-style: chr6-7585249-C-G. GRCh37 (hg19) VCF-style: chr6-7585482-C-G.
Other names: c.6190C>G, p.Pro2064Ala (NM_001008844.3); c.6658C>G, p.Pro2220Ala (NM_001319034.2); short protein forms P2220A, P2064A, P2663A.
Identifiers: ClinVar variation 2116381 (VCV002116381.4), dbSNP rs2533948953, ClinGen allele CA362694204.